The following is an entry in ClinVar:

NM_182961.4(SYNE1):c.19450C>T (p.Gln6484Ter)

Gene: SYNE1 (spectrin repeat containing nuclear envelope protein 1; minus strand). Cytogenetic location: 6q25.2.
Variant type: single nucleotide variant.
Coding change: c.19450C>T on transcript NM_182961.4 (MANE Select); coding-DNA position 19450, C replaced by T.
Protein change: p.Gln6484Ter; replaces glutamine 6484 with a stop codon.
Molecular consequence: nonsense.
Genome position (GRCh38, 1-based): chr6:152,254,900, G>A on the plus strand (C>T on the coding strand, the complement: SYNE1 is on the minus strand). VCF-style: chr6-152254900-G-A. GRCh37 (hg19) VCF-style: chr6-152576035-G-A.
Other names: c.19237C>T, p.Gln6413Ter (NM_033071.5); short protein forms Q6413*, Q6484*.
Identifiers: ClinVar variation 1698761 (VCV001698761.2), dbSNP rs2090447154, ClinGen allele CA366135614.

ClinVar aggregate classification (germline): Likely pathogenic (1 of 4 stars; one submission).

Conditions:
Autosomal recessive ataxia, Beauce type. Also called: ATAXIA, RECESSIVE, OF BEAUCE; Spinocerebellar ataxia, autosomal recessive 8; SYNE1 Deficiency; SYNE1-Related Autosomal Recessive Cerebellar Ataxia. Identifiers: Orphanet 88644, MedGen C1853116, MONDO:0012549, OMIM 610743.

Submission:

Genetics and Molecular Pathology, SA Pathology
Classification: Likely pathogenic for Autosomal recessive ataxia, Beauce type. Last evaluated: 2022-03-25. Review status: criteria provided, single submitter. Criteria: ACMG Guidelines, 2015. Collection method: clinical testing. Allele origin: germline. Inheritance: Autosomal dominant inheritance. Affected: yes.
Comment: The SYNE1 c.19450C>T variant is classified as a LIKELY PATHOGENIC (PVS1, PM2) The SYNE1 c.19450C>T variant is a single nucleotide change in the exon 105/146 of the SYNE1 gene, which is predicted to result in premature termination of the protein product at codon 6484, causing loss of normal protein function through nonsense-mediated mRNA decay (PVS1). The variant has not been reported dbSNP and is absent from the population databases (PM2). The variant has not been reported in the ClinVar or HGMD disease databases.